The following is an entry in ClinVar:

NM_030777.4(SLC2A10):c.1334del (p.Gly445fs)

Gene: SLC2A10 (solute carrier family 2 member 10; plus strand). Cytogenetic location: 20q13.12.
Variant type: Deletion.
Coding change: c.1334del on transcript NM_030777.4 (MANE Select); coding-DNA position 1334, one base deleted (G; older notation c.1334delG).
Protein change: p.Gly445fs; shifts the reading frame from glycine 445.
Molecular consequence: frameshift variant.
Genome position (GRCh38, 1-based): chr20:46,726,909, G deleted; the last of 2 consecutive G bases (chr20:46,726,908-46,726,909); deleting either gives the same sequence. VCF-style (leftmost placement, unchanged base first): chr20-46726907-AG-A. GRCh37 (hg19) VCF-style: chr20-45355546-AG-A.
Other names: c.1334delG (NM_030777.4); short protein forms G445fs.
Identifiers: ClinVar variation 4587 (VCV000004587.35), dbSNP rs587776600, ClinGen allele CA321816.

ClinVar aggregate classification (germline): Pathogenic. Review status: criteria provided, multiple submitters, no conflicts (2 of 4 stars). 15 submissions from 15 submitters: Pathogenic (12). 3 of the submissions do not count toward it. Last evaluated 2026-05-15.

Conditions:
SLC2A10-related disorder. Also called: SLC2A10-related condition.
Familial thoracic aortic aneurysm and aortic dissection (TAAD). Also called: Thoracic aortic aneurysms and dissections. Identifiers: Orphanet 91387, MedGen C4707243, MONDO:0019625.
Arterial tortuosity syndrome (ATORS). Identifiers: Orphanet 3342, MedGen C1859726, MONDO:0008818, OMIM 208050.

Submissions 1 to 8 of 15:

PreventionGenetics, part of Exact Sciences
Classification: Pathogenic for SLC2A10-related condition. Last evaluated: 2026-05-15. Review status: criteria provided, single submitter. Criteria: ACMG Guidelines, 2015. Collection method: clinical testing. Allele origin: germline.
Comment: The SLC2A10 c.1334delG variant is predicted to result in a frameshift and premature protein termination (p.Gly445Glufs*40). This variant has been reported in the homozygous and compound heterozygous state in multiple individuals with arterial tortuosity syndrome (Coucke et al. 2006. PubMed ID: 16550171; Callewaert et al. 2008. PubMed ID: 17935213; Hardin et al. 2018. PubMed ID: 28726533). This variant is reported in 0.015% of alleles in individuals of European (Non-Finnish) descent in gnomAD. Frameshift variants in SLC2A10 are expected to be pathogenic. This variant is interpreted as pathogenic.

Labcorp Genetics (formerly Invitae), Labcorp
Classification: Pathogenic for Arterial tortuosity syndrome. Last evaluated: 2026-01-21. Review status: criteria provided, single submitter. Criteria: Invitae Variant Classification Sherloc (09022015). Collection method: clinical testing. Allele origin: germline.
Comment: This sequence change creates a premature translational stop signal (p.Gly445Glufs*40) in the SLC2A10 gene. It is expected to result in an absent or disrupted protein product. Loss-of-function variants in SLC2A10 are known to be pathogenic (PMID: 17935213, 22488877, 23494979). This variant is present in population databases (rs758681965, gnomAD 0.01%). This premature translational stop signal has been observed in individuals with arterial tortuosity syndrome (PMID: 16550171, 17935213, 19781076, 28726533). It has also been observed to segregate with disease in related individuals. ClinVar contains an entry for this variant (Variation ID: 4587). For these reasons, this variant has been classified as Pathogenic.

Variantyx, Inc.
Classification: Pathogenic for Arterial tortuosity syndrome. Last evaluated: 2025-08-17. Review status: criteria provided, single submitter. Criteria: Variantyx Assertion Criteria 2022. Collection method: clinical testing. Allele origin: germline. Inheritance: Autosomal recessive inheritance. Affected: no.
Comment: This is a frameshift variant in the SLC2A10 gene (OMIM: 606145). Pathogenic variants in this gene have been associated with autosomal recessive arterial tortuosity syndrome. This variant introduces a premature termination codon in exon 3 out of 5and is expected to result in loss of function, which is a known disease mechanism for SLC2A10 in this disorder (PMID: 17935213, 22488877) (PVS1). This variant has been identified in the homozygous or compound heterozygous state in at least 5 individuals reported in the published literature (PMID: 16550171, 19781076) (PM3), and it has a 0.0218% maximum allele frequency in non-founder control populations (PM2). Based on the current evidence, this variant is classified as pathogenic for autosomal recessive arterial tortuosity syndrome.

Shaine Morris Lab, Baylor College of Medicine
Classification: Pathogenic for Arterial tortuosity syndrome. Last evaluated: 2025-03-05. Review status: criteria provided, single submitter. Criteria: ACMG Guidelines, 2015. Collection method: clinical testing. Allele origin: unknown. Inheritance: Autosomal recessive inheritance. Affected: yes. Observed: 1 compound heterozygote.
Comment: We are submitting the variant c.1334del in the SLC2A10 gene, located in exon 3. This deletion causes a frameshift mutation and results in a premature stop codon at codon 40, which is predicted to lead to a truncated protein. This variant has been previously described as pathogenic in the literature (PMID 17935213 and DOI 10.1186/s42269-022-00938-2) and classified as pathogenic in ClinVar. We are submitting this variant again as pathogenic based on our findings. Supporting Evidence for Classification: We assigned the following criteria to this variant: PVS1: The variant results in a frameshift mutation, which is expected to cause a premature stop codon at codon 40. Loss-of-function mutations, including frameshift variants, are considered strong evidence for pathogenicity, as they lead to truncated or absent proteins. This aligns with the pathogenic mechanism of ATS. PP4: The patient in our study, who is compound heterozygous for this variant, exhibits clinical features consistent with ATS. This provides additional support for the pathogenicity of this variant in the context of a disease phenotype. PP5: The variant has been previously reported as pathogenic in the literature (PMID 17935213 and DOI 10.1186/s42269-022-00938-2), further validating its pathogenic classification. PM2: The variant is extremely rare in the general population, with an allele frequency of 1.77E-04 in gnomAD, which is consistent with the rarity expected for pathogenic variants in SLC2A10-related disorders. The low allele frequency supports its pathogenic potential in a disorder that is not common in the general population. In conclusion, the c.1334del variant in SLC2A10 is classified as pathogenic, based on the clinical and molecular evidence, as well as prior literature.

Ambry Genetics
Classification: Pathogenic for Familial thoracic aortic aneurysm and aortic dissection. Last evaluated: 2024-11-21. Review status: criteria provided, single submitter. Criteria: Ambry Variant Classification Scheme 2023. Collection method: clinical testing. Allele origin: germline.
Comment: The c.1334delG pathogenic mutation, located in coding exon 3 of the SLC2A10 gene, results from a deletion of one nucleotide at nucleotide position 1334, causing a translational frameshift with a predicted alternate stop codon (p.G445Efs*40). This variant has been identified in the homozygous state and/or in conjunction with other SLC2A10 variant(s) in individual(s) with features consistent with arterial tortuosity syndrome (ATS) (Coucke PJ et al. Nat Genet. 2006;38(4):452-7; Callewaert BL et al. Hum Mutat. 2008;29(1):150-8). In addition to the clinical data presented in the literature, this alteration is expected to result in loss of function by premature protein truncation or nonsense-mediated mRNA decay. As such, this alteration is interpreted as a disease-causing mutation.

Blueprint Genetics
Classification: Pathogenic for SLC2A10-related disorders. Last evaluated: 2024-08-12. Review status: criteria provided, single submitter. Criteria: ACMG Guidelines, 2015. Collection method: clinical testing. Allele origin: germline. Affected: yes. Observed: 5 variant alleles.

Fulgent Genetics
Classification: Pathogenic for Arterial tortuosity syndrome. Last evaluated: 2024-05-23. Review status: criteria provided, single submitter. Criteria: ACMG Guidelines, 2015. Collection method: clinical testing. Allele origin: germline.

Laboratory for Molecular Medicine, Mass General Brigham Personalized Medicine
Classification: Pathogenic for Arterial tortuosity syndrome. Last evaluated: 2024-01-29. Review status: criteria provided, single submitter. Criteria: ACMG Guidelines, 2015. Collection method: clinical testing. Allele origin: germline. Inheritance: Autosomal recessive inheritance.
Comment: The p.Gly445GlufsX40 variant in SLC2A10 has been reported in the homozygous or compound heterozygous state in at least 8 individuals with arterial tortuosity syndrome (1 homozygote, 7 compound heterozygotes, the majority of whom had a second disease causing variant in SLC210A; Coucke 2006 PMID: 16550171, Callewaert 2008 PMID: 17935213, Ritelli 2009 PMID: 19781076, Hardin 2018 PMID: 28726533). This variant segregated with disease in 7 affected relatives from 3 families (Coucke 2006 PMID: 16550171, Callewaert 2008 PMID: 17935213). This variant has also been reported by other clinical laboratories in ClinVar (Variation ID 4587) and has been identified 0.019% (13/68030) of European chromosomes by gnomAD (v3.1.2), which is consistent with a recessive carrier frequency. In vitro functional studies using of patient cells demonstrate a lack of protein in homozygous patients and about half of wild type expression in heterozygotes (Coucke 2006 PMID: 16550171), suggesting that this variant affects protein function. This variant is predicted to cause a frameshift, which alters the protein’s amino acid sequence beginning at position 445 and leads to a premature termination codon 40 amino acids downstream. This alteration is then predicted to lead to a truncated or absent protein. Biallelic loss of function of the SLC2A10 gene is an established disease mechanism in autosomal recessive arterial tortuosity syndrome. In summary, this variant meets criteria to be classified as pathogenic for autosomal recessive arterial tortuosity syndrome. ACMG/AMP Criteria applied: PVS1, PM3_VeryStrong, PP1_Strong, PS3_Supporting.